The following is an entry in ClinVar:

NM_000038.6(APC):c.135+3821A>C

Gene: APC (APC regulator of WNT signaling pathway; plus strand). Cytogenetic location: 5q22.2.
Variant type: single nucleotide variant.
Coding change: c.135+3821A>C on transcript NM_000038.6 (MANE Select); 3821 bases into the intron after coding-DNA position 135, A replaced by C.
Molecular consequence: intron variant.
Genome position (GRCh38, 1-based): chr5:112,758,846, A>C. VCF-style: chr5-112758846-A-C. GRCh37 (hg19) VCF-style: chr5-112094543-A-C.
Other names: c.135+3821A>C (NM_001354895.2, NM_001127510.3, NM_001354896.2 and 2 more transcripts); c.166-7480A>C (NM_001354897.2, NM_001354902.2, NM_001127511.3); c.61-7480A>C (NM_001354898.2, NM_001354904.2); c.-901+3821A>C (NM_001354906.2); c.-42-7480A>C (NM_001354900.2, NM_001354901.2, NM_001354905.2).
Identifiers: ClinVar variation 82830 (VCV000082830.2), dbSNP rs74578553, ClinGen allele CA004371.
Genomic context (GRCh38, chr5:112,758,846, plus strand): 5'-AGAGACGGAGTTTTGCCATGTTTGCCAGGCTGGTCTCAAACTCCTGACCTCAGGTGATCC[A>C]CCCGCCTCGGCCTCTCAAAGTACTGGAATTACAGGCATGAGTCACCGCACCCAGCCTACC-3'

ClinVar aggregate classification (germline): other (0 of 4 stars; one submission).

Conditions:
Familial colorectal cancer. Identifiers: MedGen CN280943, MONDO:0023113. Disease mechanism: loss of function.

Submission:

Systems Biology Platform Zhejiang California International NanoSystems Institute
Classification: other for Familial colorectal cancer. Review status: no assertion criteria provided. Collection method: not provided. Allele origin: unknown.
ClinVar note: Converted during submission from cancer to other.